The following is an entry in ClinVar:

ClinVar aggregate classification (germline): Uncertain significance (1 of 4 stars; one submission).

Allele frequency attached by ClinVar (database versions not stated): gnomAD exomes below 0.00001.

Submission:

Labcorp Genetics (formerly Invitae), Labcorp
Classification: Uncertain significance. Last evaluated: 2021-04-16. Review status: criteria provided, single submitter. Criteria: Invitae Variant Classification Sherloc (09022015). Collection method: clinical testing. Allele origin: germline.
Comment: This sequence change replaces leucine with proline at codon 299 of the CA4 protein (p.Leu299Pro). The leucine residue is moderately conserved and there is a moderate physicochemical difference between leucine and proline. This variant is not present in population databases (ExAC no frequency). This variant has been observed in individual(s) with retinitis pigmentosa (Invitae). Algorithms developed to predict the effect of missense changes on protein structure and function are either unavailable or do not agree on the potential impact of this missense change (SIFT: "Not Available"; PolyPhen-2: "Possibly Damaging"; Align-GVGD: "Not Available"). In summary, the available evidence is currently insufficient to determine the role of this variant in disease. Therefore, it has been classified as a Variant of Uncertain Significance.

NM_000717.5(CA4):c.896T>C (p.Leu299Pro)

Gene: CA4 (carbonic anhydrase 4; plus strand). Cytogenetic location: 17q23.1.
Variant type: single nucleotide variant.
Coding change: c.896T>C on transcript NM_000717.5 (MANE Select); coding-DNA position 896, T replaced by C.
Protein change: p.Leu299Pro; replaces leucine 299 with proline.
Molecular consequence: missense variant. On other transcripts: non-coding transcript variant (1).
Genome position (GRCh38, 1-based): chr17:60,159,381, T>C. VCF-style: chr17-60159381-T-C. GRCh37 (hg19) VCF-style: chr17-58236742-T-C.
Other names: short protein forms L299P.
Identifiers: ClinVar variation 1345655 (VCV001345655.6), dbSNP rs2145283478, ClinGen allele CA400460783.